The following is an entry in ClinVar:

ClinVar aggregate classification (germline): Uncertain significance (1 of 4 stars; one submission).

Conditions:
Charcot-Marie-Tooth disease axonal type 2O. Also called: CHARCOT-MARIE-TOOTH NEUROPATHY, AXONAL, TYPE 2O; CHARCOT-MARIE-TOOTH DISEASE, AXONAL, AUTOSOMAL DOMINANT, TYPE 2O; Charcot-Marie-Tooth Neuropathy Type 2O; Charcot-Marie-Tooth disease, axonal, type 20. Identifiers: Orphanet 284232, MedGen C3280220, MONDO:0013644, OMIM 614228.

Submission:

Labcorp Genetics (formerly Invitae), Labcorp
Classification: Uncertain significance for Charcot-Marie-Tooth disease axonal type 2O. Last evaluated: 2024-04-24. Review status: criteria provided, single submitter. Criteria: Invitae Variant Classification Sherloc (09022015). Collection method: clinical testing. Allele origin: germline.
Comment: This sequence change replaces leucine, which is neutral and non-polar, with isoleucine, which is neutral and non-polar, at codon 3161 of the DYNC1H1 protein (p.Leu3161Ile). This variant is not present in population databases (gnomAD no frequency). This variant has not been reported in the literature in individuals affected with DYNC1H1-related conditions. Advanced modeling of protein sequence and biophysical properties (such as structural, functional, and spatial information, amino acid conservation, physicochemical variation, residue mobility, and thermodynamic stability) performed at Invitae indicates that this missense variant is not expected to disrupt DYNC1H1 protein function with a negative predictive value of 95%. In summary, the available evidence is currently insufficient to determine the role of this variant in disease. Therefore, it has been classified as a Variant of Uncertain Significance.

NM_001376.5(DYNC1H1):c.9481C>A (p.Leu3161Ile)

Gene: DYNC1H1 (dynein cytoplasmic 1 heavy chain 1; plus strand). Cytogenetic location: 14q32.31.
Variant type: single nucleotide variant.
Coding change: c.9481C>A on transcript NM_001376.5 (MANE Select); coding-DNA position 9481, C replaced by A.
Protein change: p.Leu3161Ile; replaces leucine 3161 with isoleucine.
Molecular consequence: missense variant.
Genome position (GRCh38, 1-based): chr14:102,029,551, C>A. VCF-style: chr14-102029551-C-A. GRCh37 (hg19) VCF-style: chr14-102495888-C-A.
Other names: short protein forms L3161I.
Identifiers: ClinVar variation 3666821 (VCV003666821.2).